The following is an entry in ClinVar:

ClinVar aggregate classification (germline): Benign/Likely benign. Review status: criteria provided, multiple submitters, no conflicts (2 of 4 stars). 2 submissions from 2 submitters: Benign (1); Likely benign (1). Last evaluated 2025-08-01.

Allele frequency attached by ClinVar (database versions not stated): gnomAD 0.00001 and 0.00015; gnomAD exomes 0.00058 and 0.00033; TOPMed 0.00004; 1000 Genomes Project 30x 0.00078; ExAC 0.00062; 1000 Genomes Project 0.00100.
gnomAD v4.1: 496 of 1,614,188 alleles (0.031%); highest among the groups gnomAD compares: South Asian, 0.52%; 8 homozygotes.

Submissions (2):

CeGaT Center for Human Genetics Tuebingen
Classification: Likely benign. Last evaluated: 2025-08-01. Review status: criteria provided, single submitter. Criteria: CeGaT Center For Human Genetics Tuebingen Variant Classification Criteria Version 2. Collection method: clinical testing. Allele origin: germline. Affected: yes. Observed: 1 variant allele.
Comment: SIAH1: BP4, BP7

Labcorp Genetics (formerly Invitae), Labcorp
Classification: Benign. Last evaluated: 2018-08-11. Review status: criteria provided, single submitter. Criteria: Invitae Variant Classification Sherloc (09022015). Collection method: clinical testing. Allele origin: germline.

NM_003031.4(SIAH1):c.654T>A (p.Ala218=)

Genes: LONP2 (lon peptidase 2, peroxisomal; plus strand), SIAH1 (siah E3 ubiquitin protein ligase 1; minus strand). Cytogenetic location: 16q12.1.
Variant type: single nucleotide variant.
Coding change: c.654T>A on transcript NM_003031.4 (MANE Select); coding-DNA position 654, T replaced by A.
Protein change: p.Ala218=; no amino-acid change (alanine 218 retained).
Molecular consequence: synonymous variant. On other transcripts: 3 prime UTR variant (1).
Genome position (GRCh38, 1-based): chr16:48,361,775, A>T on the plus strand (T>A on the coding strand, the complement: SIAH1 is on the minus strand). VCF-style: chr16-48361775-A-T. GRCh37 (hg19) VCF-style: chr16-48395686-A-T.
Other names: c.747T>A, p.Ala249= (NM_001006610.2); c.*179A>T (NM_001348078.2).
Identifiers: ClinVar variation 743019 (VCV000743019.13), dbSNP rs548798356, ClinGen allele CA8045069.